The following is an entry in ClinVar:

ClinVar aggregate classification (germline): Uncertain significance (1 of 4 stars; one submission).

Submission:

Labcorp Genetics (formerly Invitae), Labcorp
Classification: Uncertain significance. Last evaluated: 2022-03-26. Review status: criteria provided, single submitter. Criteria: Invitae Variant Classification Sherloc (09022015). Collection method: clinical testing. Allele origin: germline.
Comment: This sequence change replaces arginine, which is basic and polar, with serine, which is neutral and polar, at codon 2027 of the POLE protein (p.Arg2027Ser). In summary, the available evidence is currently insufficient to determine the role of this variant in disease. Therefore, it has been classified as a Variant of Uncertain Significance. Algorithms developed to predict the effect of missense changes on protein structure and function (SIFT, PolyPhen-2, Align-GVGD) all suggest that this variant is likely to be tolerated. This variant has not been reported in the literature in individuals affected with POLE-related conditions. This variant is not present in population databases (gnomAD no frequency).

NM_006231.4(POLE):c.6081G>T (p.Arg2027Ser)

Gene: POLE (DNA polymerase epsilon, catalytic subunit; minus strand). Cytogenetic location: 12q24.33.
Variant type: single nucleotide variant.
Coding change: c.6081G>T on transcript NM_006231.4 (MANE Select); coding-DNA position 6081, G replaced by T.
Protein change: p.Arg2027Ser; replaces arginine 2027 with serine.
Molecular consequence: missense variant.
Genome position (GRCh38, 1-based): chr12:132,632,719, C>A on the plus strand (G>T on the coding strand, the complement: POLE is on the minus strand). VCF-style: chr12-132632719-C-A. GRCh37 (hg19) VCF-style: chr12-133209305-C-A.
Other names: short protein forms R2027S.
Identifiers: ClinVar variation 2117768 (VCV002117768.4), dbSNP rs1244465655, ClinGen allele CA387370578.
Genomic context (GRCh38, chr12:132,632,719, plus strand): 5'-CTCACCGGGAAGGGCTCCGACCGCCCCCTCGGCCTCCTGGGAGAGCTGGCTGGCCCCCCT[C>A]CTCCTCACGGGGGTGCTCCCTGGAGCACTGCGCCTCAGCCCGTCCTTCATGCAGTGGTAC-3'
Protein context (NP_006222.2, residues 2017-2037): RSAPGSTPVR[Arg2027Ser]RGASQLSQEA